The following is an entry in ClinVar:

ClinVar aggregate classification (germline): Uncertain significance. Review status: criteria provided, multiple submitters, no conflicts (2 of 4 stars). 2 submissions from 2 submitters: Uncertain significance (2). Last evaluated 2026-02-01.

Conditions:
Spastic paraplegia. Identifiers: MedGen C0037772, HP:0001258.

Allele frequency attached by ClinVar (database versions not stated): gnomAD exomes below 0.00001; ExAC 0.00001.
gnomAD v4.1: 1 of 1,614,060 alleles (0.000062%); highest among the groups gnomAD compares: Non-Finnish European, 0.000085%; no homozygotes.

Submissions (2):

Dasa
Classification: Uncertain significance. Last evaluated: 2026-02-01. Review status: criteria provided, single submitter. Criteria: DASA Assertion Criteria. Collection method: clinical testing. Allele origin: germline.
Comment: NM_014363.6(SACS):c.5622A>C (p.Leu1874Phe) is a missense variant that results in the substitution of leucine with phenylalanine. This variant is rare in population databases. Computational prediction algorithms are consistent with a deleterious effect. The currently available literature and clinical evidence are not sufficient to establish a definitive association between this variant and the reported condition. Therefore, this variant is classified as a variant of uncertain significance.

Labcorp Genetics (formerly Invitae), Labcorp
Classification: Uncertain significance for Spastic paraplegia. Last evaluated: 2022-03-14. Review status: criteria provided, single submitter. Criteria: Invitae Variant Classification Sherloc (09022015). Collection method: clinical testing. Allele origin: germline.
Comment: In summary, the available evidence is currently insufficient to determine the role of this variant in disease. Therefore, it has been classified as a Variant of Uncertain Significance. Advanced modeling of protein sequence and biophysical properties (such as structural, functional, and spatial information, amino acid conservation, physicochemical variation, residue mobility, and thermodynamic stability) performed at Invitae indicates that this missense variant is expected to disrupt SACS protein function. This variant has not been reported in the literature in individuals affected with SACS-related conditions. This variant is present in population databases (rs766722028, gnomAD 0.0009%). This sequence change replaces leucine, which is neutral and non-polar, with phenylalanine, which is neutral and non-polar, at codon 1874 of the SACS protein (p.Leu1874Phe).

NM_014363.6(SACS):c.5622A>C (p.Leu1874Phe)

Gene: SACS (sacsin molecular chaperone; minus strand). Cytogenetic location: 13q12.12.
Variant type: single nucleotide variant.
Coding change: c.5622A>C on transcript NM_014363.6 (MANE Select); coding-DNA position 5622, A replaced by C.
Protein change: p.Leu1874Phe; replaces leucine 1874 with phenylalanine.
Molecular consequence: missense variant.
Genome position (GRCh38, 1-based): chr13:23,338,254, T>G on the plus strand (A>C on the coding strand, the complement: SACS is on the minus strand). VCF-style: chr13-23338254-T-G. GRCh37 (hg19) VCF-style: chr13-23912393-T-G.
Other names: c.5181A>C, p.Leu1727Phe (NM_001278055.2); short protein forms L1874F, L1727F.
Identifiers: ClinVar variation 1948245 (VCV001948245.7), dbSNP rs766722028, ClinGen allele CA6911219.
Genomic context (GRCh38, chr13:23,338,254, plus strand): 5'-TGATGTAACAGCAAAGCACCCATTGATATGAACTGGCAAGCCTGTTTTTATTCGTAAAGG[T>G]AAATAGCAAAACACCTCTCCAATGTGTGGTTTCACTGTCCACTTCTGGTCCTGGATTTCT-3'
Protein context (NP_055178.3, residues 1864-1884): KPHIGEVFCY[Leu1874Phe]PLRIKTGLPV